The following is an entry in ClinVar:

NM_001371279.1(REEP1):c.*2579T>C

Gene: REEP1 (receptor accessory protein 1; minus strand). Cytogenetic location: 2p11.2.
Variant type: single nucleotide variant.
Coding change: c.*2579T>C on transcript NM_001371279.1 (MANE Select); 2579 bases downstream of the stop codon, T replaced by C.
Molecular consequence: 3 prime UTR variant.
Genome position (GRCh38, 1-based): chr2:86,214,460, A>G on the plus strand (T>C on the coding strand, the complement: REEP1 is on the minus strand). VCF-style: chr2-86214460-A-G. GRCh37 (hg19) VCF-style: chr2-86441583-A-G.
Other names: c.*2640T>C (NM_001164730.2, NM_001164731.2, NM_022912.3); c.*2579T>C (NM_001164732.2, NM_001371280.1).
Identifiers: ClinVar variation 337349 (VCV000337349.6), dbSNP rs11902617, ClinGen allele CA10616224.

ClinVar aggregate classification (germline): Likely benign. Review status: criteria provided, multiple submitters, no conflicts (2 of 4 stars). 2 submissions from 2 submitters: Likely benign (2). Last evaluated 2017-04-27.

Conditions:
Hereditary spastic paraplegia 31. Also called: SPASTIC PARAPLEGIA 31, AUTOSOMAL DOMINANT. Identifiers: Orphanet 101011, MedGen C1853247, MONDO:0012453, OMIM 610250.

Allele frequency attached by ClinVar (database versions not stated): gnomAD 0.02218 and 0.02248; TOPMed 0.02440; 1000 Genomes Project 0.03315; 1000 Genomes Project 30x 0.03435.

Submissions (2):

Illumina Laboratory Services, Illumina
Classification: Likely benign for Hereditary spastic paraplegia 31. Last evaluated: 2017-04-27. Review status: criteria provided, single submitter. Criteria: ICSL Variant Classification Criteria 13 December 2019. Collection method: clinical testing. Allele origin: germline.
Comment: This variant was observed as part of a predisposition screen in an ostensibly healthy population. A literature search was performed for the gene, cDNA change, and amino acid change (where applicable). No publications were found based on this search. Allele frequency data from public databases allowed determination this variant is unlikely to cause disease. Therefore, this variant is classified as likely benign.

Breakthrough Genomics
Classification: Likely benign. Review status: criteria provided, single submitter. Criteria: ACMG Guidelines, 2015. Collection method: not provided. Allele origin: germline. Inheritance: Autosomal recessive inheritance. Affected: yes.